The following is an entry in ClinVar:

ClinVar aggregate classification (germline): Uncertain significance (1 of 4 stars; one submission).

Conditions:
Cortical dysplasia-focal epilepsy syndrome (PTHSL1). Also called: Pitt-Hopkins-like syndrome 1. Identifiers: Orphanet 163681, Orphanet 221150, MedGen C2750246, MONDO:0012400, OMIM 610042.

Submission:

Labcorp Genetics (formerly Invitae), Labcorp
Classification: Uncertain significance for Cortical dysplasia-focal epilepsy syndrome. Last evaluated: 2020-07-13. Review status: criteria provided, single submitter. Criteria: Invitae Variant Classification Sherloc (09022015). Collection method: clinical testing. Allele origin: germline.
Comment: In summary, the available evidence is currently insufficient to determine the role of this variant in disease. Therefore, it has been classified as a Variant of Uncertain Significance. Algorithms developed to predict the effect of missense changes on protein structure and function output the following: SIFT: "Tolerated"; PolyPhen-2: "Benign"; Align-GVGD: "Class C0". The leucine amino acid residue is found in multiple mammalian species, suggesting that this missense change does not adversely affect protein function. These predictions have not been confirmed by published functional studies and their clinical significance is uncertain. This variant has not been reported in the literature in individuals with CNTNAP2-related conditions. This variant is not present in population databases (ExAC no frequency). This sequence change replaces methionine with leucine at codon 115 of the CNTNAP2 protein (p.Met115Leu). The methionine residue is weakly conserved and there is a small physicochemical difference between methionine and leucine.

NM_014141.6(CNTNAP2):c.343A>T (p.Met115Leu)

Gene: CNTNAP2 (contactin associated protein 2; plus strand). Cytogenetic location: 7q35.
Variant type: single nucleotide variant.
Coding change: c.343A>T on transcript NM_014141.6 (MANE Select); coding-DNA position 343, A replaced by T.
Protein change: p.Met115Leu; replaces methionine 115 with leucine.
Molecular consequence: missense variant.
Genome position (GRCh38, 1-based): chr7:146,839,845, A>T. VCF-style: chr7-146839845-A-T. GRCh37 (hg19) VCF-style: chr7-146536937-A-T.
Other names: short protein forms M115L.
Identifiers: ClinVar variation 1011049 (VCV001011049.9), dbSNP rs758526505, ClinGen allele CA369922753.
Genomic context (GRCh38, chr7:146,839,845, plus strand): 5'-ATCAGTGCCATTGCAACCCAAGGAAGGTATAGCAGCTCAGATTGGGTGACCCAATACCGG[A>T]TGCTCTACAGCGACACAGGGAGAAACTGGAAACCCTATCATCAAGATGGGAATATCTGGG-3'
Protein context (NP_054860.1, residues 105-125): SSSDWVTQYR[Met115Leu]LYSDTGRNWK